The following is an entry in ClinVar:

ClinVar aggregate classification (germline): Uncertain significance. Review status: criteria provided, multiple submitters, no conflicts (2 of 4 stars). 2 submissions from 2 submitters: Uncertain significance (2). Last evaluated 2026-07-07.

Conditions:
EGFR-related lung cancer (EGFR). Identifiers: MedGen CN130014.
Hereditary cancer-predisposing syndrome. Also called: Tumor predisposition; Hereditary neoplastic syndrome; Hereditary Cancer Syndrome; Neoplastic Syndromes, Hereditary. Identifiers: Orphanet 140162, MedGen C0027672, MeSH D009386, MONDO:0015356.

gnomAD v4.1: 6 of 1,614,218 alleles (0.00037%); highest among the groups gnomAD compares: South Asian, 0.0055%; no homozygotes.

Submissions (2):

Ambry Genetics
Classification: Uncertain significance for Hereditary cancer-predisposing syndrome. Last evaluated: 2026-07-07. Review status: criteria provided, single submitter. Criteria: Ambry Variant Classification Scheme 2023. Collection method: clinical testing. Allele origin: germline.
Comment: The p.Q141H variant (also known as c.423G>T), located in coding exon 3 of the EGFR gene, results from a G to T substitution at nucleotide position 423. The glutamine at codon 141 is replaced by histidine, an amino acid with highly similar properties. This amino acid position is conserved. In addition, this alteration is predicted to be tolerated by in silico analysis. Based on the available evidence, the clinical significance of this variant remains unclear.

Labcorp Genetics (formerly Invitae), Labcorp
Classification: Uncertain significance for EGFR-related lung cancer. Last evaluated: 2025-03-12. Review status: criteria provided, single submitter. Criteria: Invitae Variant Classification Sherloc (09022015). Collection method: clinical testing. Allele origin: germline.
Comment: This sequence change replaces glutamine, which is neutral and polar, with histidine, which is basic and polar, at codon 141 of the EGFR protein (p.Gln141His). This variant is present in population databases (rs767608234, gnomAD 0.006%). This variant has not been reported in the literature in individuals affected with EGFR-related conditions. An algorithm developed to predict the effect of missense changes on protein structure and function outputs the following: PolyPhen-2: "Benign". The histidine amino acid residue is found in multiple mammalian species, which suggests that this missense change does not adversely affect protein function. In summary, the available evidence is currently insufficient to determine the role of this variant in disease. Therefore, it has been classified as a Variant of Uncertain Significance.

NM_005228.5(EGFR):c.423G>T (p.Gln141His)

Gene: EGFR (epidermal growth factor receptor; plus strand). Cytogenetic location: 7p11.2.
Variant type: single nucleotide variant.
Coding change: c.423G>T on transcript NM_005228.5 (MANE Select); coding-DNA position 423, G replaced by T.
Protein change: p.Gln141His; replaces glutamine 141 with histidine.
Molecular consequence: missense variant. On other transcripts: intron variant (1).
Genome position (GRCh38, 1-based): chr7:55,143,487, G>T. VCF-style: chr7-55143487-G-T. GRCh37 (hg19) VCF-style: chr7-55211180-G-T.
Other names: c.423G>T, p.Gln141His (NM_001346897.2, NM_001346898.2, NM_001346899.2 and 3 more transcripts); c.264G>T, p.Gln88His (NM_001346900.2); c.89-12343G>T (NM_001346941.2); short protein forms Q88H, Q141H.
Identifiers: ClinVar variation 3696652 (VCV003696652.3).
Genomic context (GRCh38, chr7:55,143,487, plus strand): 5'-CTTATCTAACTATGATGCAAATAAAACCGGACTGAAGGAGCTGCCCATGAGAAATTTACA[G>T]GGTGAGAGGCTGGGATGCCAAGGCTGGGGGTTCATAAATGCAGACAGCAGTTCCGATGGC-3'
Protein context (NP_005219.2, residues 131-151): GLKELPMRNL[Gln141His]EILHGAVRFS